The following is an entry in ClinVar:

NM_199420.4(POLQ):c.1664C>T (p.Ala555Val)

Gene: POLQ (DNA polymerase theta; minus strand). Cytogenetic location: 3q13.33.
Variant type: single nucleotide variant.
Coding change: c.1664C>T on transcript NM_199420.4 (MANE Select); coding-DNA position 1664, C replaced by T.
Protein change: p.Ala555Val; replaces alanine 555 with valine.
Molecular consequence: missense variant.
Genome position (GRCh38, 1-based): chr3:121,510,191, G>A on the plus strand (C>T on the coding strand, the complement: POLQ is on the minus strand). VCF-style: chr3-121510191-G-A. GRCh37 (hg19) VCF-style: chr3-121229038-G-A.
Other names: short protein forms A555V.
Identifiers: ClinVar variation 1777548 (VCV001777548.2), dbSNP rs2048242972, ClinGen allele CA354115119.

ClinVar aggregate classification (germline): Uncertain significance (1 of 4 stars; one submission).

gnomAD v4.1: 1 of 1,613,590 alleles (0.000062%); highest among the groups gnomAD compares: Non-Finnish European, 0.000085%; no homozygotes.

Submission:

Ambry Genetics
Classification: Uncertain significance. Last evaluated: 2022-07-11. Review status: criteria provided, single submitter. Criteria: Ambry Variant Classification Scheme 2023. Collection method: clinical testing. Allele origin: germline.
Comment: The p.A555V variant (also known as c.1664C>T), located in coding exon 11 of the POLQ gene, results from a C to T substitution at nucleotide position 1664. The alanine at codon 555 is replaced by valine, an amino acid with similar properties. This amino acid position is conserved. In addition, this alteration is predicted to be tolerated by in silico analysis. Since supporting evidence is limited at this time, the clinical significance of this alteration remains unclear.